The following is an entry in ClinVar:

NM_017864.4(INTS8):c.2482A>G (p.Ile828Val)

Gene: INTS8 (integrator complex subunit 8; plus strand). Cytogenetic location: 8q22.1.
Variant type: single nucleotide variant.
Coding change: c.2482A>G on transcript NM_017864.4 (MANE Select); coding-DNA position 2482, A replaced by G.
Protein change: p.Ile828Val; replaces isoleucine 828 with valine.
Molecular consequence: missense variant. On other transcripts: non-coding transcript variant (2).
Genome position (GRCh38, 1-based): chr8:94,871,951, A>G. VCF-style: chr8-94871951-A-G. GRCh37 (hg19) VCF-style: chr8-95884179-A-G.
Other names: short protein forms I828V.
Identifiers: ClinVar variation 3034286 (VCV003034286.2), dbSNP rs140060323, ClinGen allele CA4813900.

ClinVar aggregate classification (germline): Likely benign (0 of 4 stars; one submission).

Conditions:
INTS8-related disorder. Also called: INTS8-related condition.

Allele frequency attached by ClinVar (database versions not stated): gnomAD exomes 0.00018; ESP Exome Variant Server 0.00023; gnomAD 0.00025; TOPMed 0.00057; ExAC 0.00073.
gnomAD v4.1: 285 of 1,606,076 alleles (0.018%); highest among the groups gnomAD compares: Admixed American, 0.46%; 3 homozygotes.

Submission:

PreventionGenetics, part of Exact Sciences
Classification: Likely benign for INTS8-related condition. Last evaluated: 2019-11-25. Review status: no assertion criteria provided. Collection method: clinical testing. Allele origin: germline.
Comment: This variant is classified as likely benign based on ACMG/AMP sequence variant interpretation guidelines (Richards et al. 2015 PMID: 25741868, with internal and published modifications).